The following is an entry in ClinVar:

NM_001128178.3(NPHP1):c.771+64A>G

Gene: NPHP1 (nephrocystin 1; minus strand). Cytogenetic location: 2q13.
Variant type: single nucleotide variant.
Coding change: c.771+64A>G on transcript NM_001128178.3 (MANE Select); 64 bases into the intron after coding-DNA position 771, A replaced by G.
Molecular consequence: intron variant. On other transcripts: missense variant (2).
Genome position (GRCh38, 1-based): chr2:110,164,624, T>C on the plus strand (A>G on the coding strand, the complement: NPHP1 is on the minus strand). VCF-style: chr2-110164624-T-C. GRCh37 (hg19) VCF-style: chr2-110922201-T-C.
Other names: c.835A>G, p.Arg279Gly (NM_000272.5, NM_207181.4); c.585+64A>G (NM_001128179.3); c.771+64A>G (NM_001374256.1, NM_001374257.1); short protein forms R279G.
Identifiers: ClinVar variation 4626325 (VCV004626325.2).
Genomic context (GRCh38, chr2:110,164,624, plus strand): 5'-GTACATTCCATGCCCTGAACCCTGTTTCAGATCCATTGGTGTCTTCCACAGTCTCCATCC[T>C]ATTTCGCATCAGAACTATTAGGTAGCAAAACGAGACATGATTAACAAGACAGAAGATGCC-3'

ClinVar aggregate classification (germline): Uncertain significance. Review status: criteria provided, multiple submitters, no conflicts (2 of 4 stars). 2 submissions from 2 submitters: Uncertain significance (2). Last evaluated 2025-11-02.

Conditions:
NPHP1-related disorder. Also called: NPHP1-related condition; NPHP1-related disorders.
Inborn genetic diseases. Identifiers: MedGen C0950123, MeSH D030342.

gnomAD v4.1: 5 of 1,612,410 alleles (0.00031%); highest among the groups gnomAD compares: Non-Finnish European, 0.00042%; no homozygotes.

Submissions (2):

Ambry Genetics
Classification: Uncertain significance for Inborn genetic diseases. Last evaluated: 2025-11-02. Review status: criteria provided, single submitter. Criteria: Ambry Variant Classification Scheme 2023. Collection method: clinical testing. Allele origin: germline.

PreventionGenetics, part of Exact Sciences
Classification: Uncertain significance for NPHP1-related condition. Last evaluated: 2025-05-20. Review status: criteria provided, single submitter. Criteria: ACMG Guidelines, 2015. Collection method: clinical testing. Allele origin: germline.
Comment: The NPHP1 c.835A>G variant is predicted to result in the amino acid substitution p.Arg279Gly. To our knowledge, this variant has not been reported in the literature. This variant is reported in 0.0065% of alleles in individuals of European (Non-Finnish) descent in gnomAD. At this time, the clinical significance of this variant is uncertain due to the absence of conclusive functional and genetic evidence.